The following is an entry in ClinVar:

ClinVar aggregate classification (germline): Uncertain significance (1 of 4 stars; one submission).

Conditions:
Inborn genetic diseases. Identifiers: MedGen C0950123, MeSH D030342.

Submission:

Ambry Genetics
Classification: Uncertain significance for Inborn genetic diseases. Last evaluated: 2025-07-10. Review status: criteria provided, single submitter. Criteria: Ambry Variant Classification Scheme 2023. Collection method: clinical testing. Allele origin: germline.
Comment: The p.D42H variant (also known as c.124G>C), located in coding exon 2 of the CEP57 gene, results from a G to C substitution at nucleotide position 124. The aspartic acid at codon 42 is replaced by histidine, an amino acid with similar properties. This amino acid position is conserved. In addition, this alteration is predicted to be tolerated by in silico analysis. Based on the available evidence, the clinical significance of this variant remains unclear.

NM_014679.5(CEP57):c.124G>C (p.Asp42His)

Gene: CEP57 (centrosomal protein 57; plus strand). Cytogenetic location: 11q21.
Variant type: single nucleotide variant.
Coding change: c.124G>C on transcript NM_014679.5 (MANE Select); coding-DNA position 124, G replaced by C.
Protein change: p.Asp42His; replaces aspartic acid 42 with histidine.
Molecular consequence: missense variant.
Genome position (GRCh38, 1-based): chr11:95,799,310, G>C. VCF-style: chr11-95799310-G-C. GRCh37 (hg19) VCF-style: chr11-95532474-G-C.
Other names: c.97G>C, p.Asp33His (NM_001243776.2); c.43G>C, p.Asp15His (NM_001440877.1, NM_001440878.1, NM_001440880.1 and 4 more transcripts); c.124G>C, p.Asp42His (NM_001440879.1, NM_001440881.1, NM_001440882.1 and 6 more transcripts); short protein forms D15H, D33H, D42H.
Identifiers: ClinVar variation 4226349 (VCV004226349.1).